The following is an entry in ClinVar:

ClinVar aggregate classification (germline): Likely benign. Review status: criteria provided, multiple submitters, no conflicts (2 of 4 stars). 5 submissions from 5 submitters: Likely benign (5). Last evaluated 2025-09-01.

Conditions:
Arrhythmogenic right ventricular cardiomyopathy (ARVD). Also called: Arrhythmogenic cardiomyopathy; Arrhythmogenic Right Ventricular Cardiomyopathy (ARVC); Cardiomyopathy, ARVC; Arrhythmogenic right ventricular dysplasia. Identifiers: Orphanet 247, MedGen C0349788, MeSH D019571, MONDO:0016587. Disease mechanism: loss of function. Inheritance: Various modes of inheritance.
Cardiovascular phenotype. Identifiers: MedGen CN230736.
Cardiomyopathy (CMYO). Also called: Cardiomyopathies. Identifiers: Orphanet 167848, MedGen C0878544, MONDO:0004994, HP:0001638. Inheritance: Various modes of inheritance.
Arrhythmogenic right ventricular dysplasia 9 (ARVD9). Also called: Arrhythmogenic Right Ventricular Dysplasia/Cardiomyopathy 9; ARRHYTHMOGENIC RIGHT VENTRICULAR DYSPLASIA, FAMILIAL, 9. Identifiers: MedGen C1836906, MONDO:0012180, OMIM 609040.

Allele frequency attached by ClinVar (database versions not stated): TOPMed 0.00002; gnomAD 0.00003.
gnomAD v4.1: 27 of 1,613,948 alleles (0.0017%); highest among the groups gnomAD compares: Admixed American, 0.01%; no homozygotes.

Submissions (5):

Labcorp Genetics (formerly Invitae), Labcorp
Classification: Likely benign for Arrhythmogenic right ventricular dysplasia 9. Last evaluated: 2025-09-01. Review status: criteria provided, single submitter. Criteria: Invitae Variant Classification Sherloc (09022015). Collection method: clinical testing. Allele origin: germline.

Blueprint Genetics
Classification: Likely benign. Last evaluated: 2024-08-12. Review status: criteria provided, single submitter. Criteria: ACMG Guidelines, 2015. Collection method: clinical testing. Allele origin: germline.

All of Us Research Program, National Institutes of Health
Classification: Likely benign for Arrhythmogenic right ventricular cardiomyopathy. Last evaluated: 2024-02-05. Review status: criteria provided, single submitter. Criteria: ACMG Guidelines, 2015. Collection method: clinical testing. Allele origin: germline. Inheritance: Autosomal dominant inheritance. Observed: 7 variant alleles, 7 heterozygotes.
Comment: This study involves interpretation of variants in research participants for the purpose of population health screening. Participant phenotype was not available at the time of variant classification. Additional details can be found in publication PMID: 35346344, PMCID: PMC8962531

Ambry Genetics
Classification: Likely benign for Cardiovascular phenotype. Last evaluated: 2022-05-02. Review status: criteria provided, single submitter. Criteria: Ambry Variant Classification Scheme 2023. Collection method: clinical testing. Allele origin: germline.

Color Diagnostics, LLC DBA Color Health
Classification: Likely benign for Cardiomyopathy. Last evaluated: 2019-09-09. Review status: criteria provided, single submitter. Criteria: ACMG Guidelines, 2015. Collection method: clinical testing. Allele origin: germline.

NM_001005242.3(PKP2):c.1998G>A (p.Thr666=)

Gene: PKP2 (plakophilin 2; minus strand). Cytogenetic location: 12p11.21.
Variant type: single nucleotide variant.
Coding change: c.1998G>A on transcript NM_001005242.3 (MANE Select); coding-DNA position 1998, G replaced by A.
Protein change: p.Thr666=; no amino-acid change (threonine 666 retained).
Molecular consequence: synonymous variant.
Genome position (GRCh38, 1-based): chr12:32,821,371, C>T on the plus strand (G>A on the coding strand, the complement: PKP2 is on the minus strand). VCF-style: chr12-32821371-C-T. GRCh37 (hg19) VCF-style: chr12-32974305-C-T.
Other names: c.2130G>A, p.Thr710= (NM_004572.4).
Identifiers: ClinVar variation 533053 (VCV000533053.17), dbSNP rs371089832, ClinGen allele CA032839.